The following is an entry in ClinVar:

NM_033118.4(MYLK2):c.398C>T (p.Ala133Val)

Gene: MYLK2 (myosin light chain kinase 2; plus strand). Cytogenetic location: 20q11.21.
Variant type: single nucleotide variant.
Coding change: c.398C>T on transcript NM_033118.4 (MANE Select); coding-DNA position 398, C replaced by T.
Protein change: p.Ala133Val; replaces alanine 133 with valine.
Molecular consequence: missense variant.
Genome position (GRCh38, 1-based): chr20:31,820,471, C>T. VCF-style: chr20-31820471-C-T. GRCh37 (hg19) VCF-style: chr20-30408274-C-T.
Other names: short protein forms A133V.
Identifiers: ClinVar variation 406162 (VCV000406162.17), dbSNP rs761688232, ClinGen allele CA9802911.

ClinVar aggregate classification (germline): Uncertain significance. Review status: criteria provided, multiple submitters, no conflicts (2 of 4 stars). 4 submissions from 4 submitters: Uncertain significance (4). Last evaluated 2025-10-27.

Conditions:
Sudden unexplained death. Identifiers: MedGen C0520806.
Hypertrophic cardiomyopathy 1 (CMH1). Also called: Familial hypertrophic cardiomyopathy 1; MYH7-Related Familial Hypertrophic Cardiomyopathy. Identifiers: MedGen C3495498, MONDO:0008647, OMIM 192600.

Allele frequency attached by ClinVar (database versions not stated): ExAC 0.00001; gnomAD 0.00001; gnomAD exomes 0.00001 and 0.00003; TOPMed 0.00002.
gnomAD v4.1: 46 of 1,610,686 alleles (0.0029%); highest among the groups gnomAD compares: Non-Finnish European, 0.0038%; no homozygotes.

Submissions (4):

Labcorp Genetics (formerly Invitae), Labcorp
Classification: Uncertain significance for Hypertrophic cardiomyopathy 1. Last evaluated: 2025-10-27. Review status: criteria provided, single submitter. Criteria: Invitae Variant Classification Sherloc (09022015). Collection method: clinical testing. Allele origin: germline.
Comment: This sequence change replaces alanine, which is neutral and non-polar, with valine, which is neutral and non-polar, at codon 133 of the MYLK2 protein (p.Ala133Val). This variant is present in population databases (rs761688232, gnomAD 0.002%). This variant has not been reported in the literature in individuals affected with MYLK2-related conditions. ClinVar contains an entry for this variant (Variation ID: 406162). Invitae Evidence Modeling of protein sequence and biophysical properties (such as structural, functional, and spatial information, amino acid conservation, physicochemical variation, residue mobility, and thermodynamic stability) indicates that this missense variant is not expected to disrupt MYLK2 protein function with a negative predictive value of 80%. In summary, the available evidence is currently insufficient to determine the role of this variant in disease. Therefore, it has been classified as a Variant of Uncertain Significance.

Ambry Genetics
Classification: Uncertain significance. Last evaluated: 2025-04-14. Review status: criteria provided, single submitter. Criteria: Ambry Variant Classification Scheme 2023. Collection method: clinical testing. Allele origin: germline.
Comment: The p.A133V variant (also known as c.398C>T), located in coding exon 2 of the MYLK2 gene, results from a C to T substitution at nucleotide position 398. The alanine at codon 133 is replaced by valine, an amino acid with similar properties. This amino acid position is conserved. In addition, this alteration is predicted to be tolerated by in silico analysis. Since supporting evidence is limited at this time, the clinical significance of this alteration remains unclear.

GeneDx
Classification: Uncertain significance. Last evaluated: 2024-08-01. Review status: criteria provided, single submitter. Criteria: GeneDx Variant Classification Process June 2021. Collection method: clinical testing. Allele origin: germline. Affected: yes.
Comment: Has not been previously published as pathogenic or benign to our knowledge; Not observed at significant frequency in large population cohorts (gnomAD); In silico analysis indicates that this missense variant does not alter protein structure/function

Agnes Ginges Centre for Molecular Cardiology, Centenary Institute
Classification: Uncertain significance for Sudden unexplained death. Last evaluated: 2018-03-07. Review status: criteria provided, single submitter. Criteria: ACMG Guidelines, 2015. Collection method: research. Allele origin: germline. Affected: yes.
Comment: This variant has been identified as part of our research program. Refer to the 'condition' field for the phenotype of the proband(s) identified with this variant. For further information please feel free to contact us.